The following is an entry in ClinVar:

NM_030777.4(SLC2A10):c.67G>A (p.Gly23Ser)

Gene: SLC2A10 (solute carrier family 2 member 10; plus strand). Cytogenetic location: 20q13.12.
Variant type: single nucleotide variant.
Coding change: c.67G>A on transcript NM_030777.4 (MANE Select); coding-DNA position 67, G replaced by A.
Protein change: p.Gly23Ser; replaces glycine 23 with serine.
Molecular consequence: missense variant.
Genome position (GRCh38, 1-based): chr20:46,725,103, G>A. VCF-style: chr20-46725103-G-A. GRCh37 (hg19) VCF-style: chr20-45353742-G-A.
Other names: short protein forms G23S.
Identifiers: ClinVar variation 987899 (VCV000987899.2), dbSNP rs760225405, ClinGen allele CA9891907.

ClinVar aggregate classification (germline): Conflicting classifications of pathogenicity. Review status: criteria provided, conflicting classifications (1 of 4 stars). 2 submissions from 2 submitters: Likely pathogenic (1); Uncertain significance (1). Last evaluated 2025-11-10.

Conditions:
Arterial tortuosity syndrome (ATORS). Identifiers: Orphanet 3342, MedGen C1859726, MONDO:0008818, OMIM 208050.

Allele frequency attached by ClinVar (database versions not stated): ExAC 0.00001; gnomAD exomes 0.00001.
gnomAD v4.1: 3 of 1,614,164 alleles (0.00019%); highest among the groups gnomAD compares: Non-Finnish European, 0.00017%; no homozygotes.

Submissions (2):

Labcorp Genetics (formerly Invitae), Labcorp
Classification: Likely pathogenic for Arterial tortuosity syndrome. Last evaluated: 2025-11-10. Review status: criteria provided, single submitter. Criteria: Invitae Variant Classification Sherloc (09022015). Collection method: clinical testing. Allele origin: germline.
Comment: This sequence change replaces glycine, which is neutral and non-polar, with serine, which is neutral and polar, at codon 23 of the SLC2A10 protein (p.Gly23Ser). This variant is present in population databases (rs760225405, gnomAD 0.002%). This missense change has been observed in individual(s) with arterial tortuosity syndrome (PMID: 33461977). ClinVar contains an entry for this variant (Variation ID: 987899). Invitae Evidence Modeling of protein sequence and biophysical properties (such as structural, functional, and spatial information, amino acid conservation, physicochemical variation, residue mobility, and thermodynamic stability) indicates that this missense variant is expected to disrupt SLC2A10 protein function with a positive predictive value of 95%. In summary, the currently available evidence indicates that the variant is pathogenic, but additional data are needed to prove that conclusively. Therefore, this variant has been classified as Likely Pathogenic.

Daryl Scott Lab, Baylor College of Medicine
Classification: Uncertain significance for Arterial tortuosity syndrome. Last evaluated: 2020-11-11. Review status: criteria provided, single submitter. Criteria: ACMG Guidelines, 2015. Collection method: clinical testing. Allele origin: unknown. Observed: 1 variant allele.

Literature cited by the submitters: PubMed 33461977 (cited by Labcorp Genetics (formerly Invitae), Labcorp and Daryl Scott Lab, Baylor College of Medicine).